The following is an entry in ClinVar:

ClinVar aggregate classification (germline): Uncertain significance. Review status: criteria provided, multiple submitters, no conflicts (2 of 4 stars). 2 submissions from 2 submitters: Uncertain significance (2). Last evaluated 2024-08-28.

Conditions:
Xeroderma pigmentosum, group F (XPF). Also called: ERCC4-Related Xeroderma Pigmentosum; XERODERMA PIGMENTOSUM, TYPE F; Xeroderma pigmentosum, type 6; XERODERMA PIGMENTOSUM, COMPLEMENTATION GROUP F; XERODERMA PIGMENTOSUM VI; XP, GROUP F. Identifiers: MedGen C0268140, MONDO:0010215, OMIM 278760.
Fanconi anemia complementation group Q. Identifiers: Orphanet 84, MedGen C3808988, MONDO:0014108, OMIM 615272.
Cockayne syndrome. Identifiers: Orphanet 191, MedGen C0009207, MONDO:0016006.

Allele frequency attached by ClinVar (database versions not stated): TOPMed 0.00005; ESP Exome Variant Server 0.00015.
gnomAD v4.1: 101 of 1,612,544 alleles (0.0063%); highest among the groups gnomAD compares: Non-Finnish European, 0.0084%; no homozygotes.

Submissions (2):

Blueprint Genetics
Classification: Uncertain significance. Last evaluated: 2024-08-28. Review status: criteria provided, single submitter. Criteria: ACMG Guidelines, 2015. Collection method: clinical testing. Allele origin: germline.

Labcorp Genetics (formerly Invitae), Labcorp
Classification: Uncertain significance for Fanconi anemia complementation group Q; Xeroderma pigmentosum, group F; Cockayne syndrome. Last evaluated: 2024-05-20. Review status: criteria provided, single submitter. Criteria: Invitae Variant Classification Sherloc (09022015). Collection method: clinical testing. Allele origin: germline.
Comment: This sequence change replaces arginine, which is basic and polar, with leucine, which is neutral and non-polar, at codon 267 of the ERCC4 protein (p.Arg267Leu). This variant is present in population databases (rs143479220, gnomAD 0.007%). This variant has not been reported in the literature in individuals affected with ERCC4-related conditions. ClinVar contains an entry for this variant (Variation ID: 1007763). Advanced modeling of protein sequence and biophysical properties (such as structural, functional, and spatial information, amino acid conservation, physicochemical variation, residue mobility, and thermodynamic stability) performed at Invitae indicates that this missense variant is expected to disrupt ERCC4 protein function with a positive predictive value of 80%. In summary, the available evidence is currently insufficient to determine the role of this variant in disease. Therefore, it has been classified as a Variant of Uncertain Significance.

NM_005236.3(ERCC4):c.800G>T (p.Arg267Leu)

Gene: ERCC4 (ERCC excision repair 4, endonuclease catalytic subunit; plus strand). Cytogenetic location: 16p13.12.
Variant type: single nucleotide variant.
Coding change: c.800G>T on transcript NM_005236.3 (MANE Select); coding-DNA position 800, G replaced by T.
Protein change: p.Arg267Leu; replaces arginine 267 with leucine.
Molecular consequence: missense variant.
Genome position (GRCh38, 1-based): chr16:13,930,717, G>T. VCF-style: chr16-13930717-G-T. GRCh37 (hg19) VCF-style: chr16-14024574-G-T.
Other names: short protein forms R267L.
Identifiers: ClinVar variation 1007763 (VCV001007763.9), dbSNP rs143479220, ClinGen allele CA7910287.